The following is an entry in ClinVar:

NM_130468.4(CHST14):c.171del (p.Leu58fs)

Genes: CHST14 (carbohydrate sulfotransferase 14; plus strand), LOC130056851 (ATAC-STARR-seq lymphoblastoid silent region 6336; plus strand). Cytogenetic location: 15q15.1.
Variant type: Deletion.
Coding change: c.171del on transcript NM_130468.4 (MANE Select); coding-DNA position 171, one base deleted (G; older notation c.171delG).
Protein change: p.Leu58fs; shifts the reading frame from leucine 58.
Molecular consequence: frameshift variant.
Genome position (GRCh38, 1-based): chr15:40,471,384, G deleted. VCF-style (leftmost placement, unchanged base first): chr15-40471383-TG-T. GRCh37 (hg19) VCF-style: chr15-40763582-TG-T.
Other names: short protein forms L58fs.
Identifiers: ClinVar variation 1071798 (VCV001071798.11), dbSNP rs1256212335, ClinGen allele CA617557467.

ClinVar aggregate classification (germline): Pathogenic/Likely pathogenic. Review status: criteria provided, multiple submitters, no conflicts (2 of 4 stars). 2 submissions from 2 submitters: Pathogenic (1); Likely pathogenic (1). Last evaluated 2025-10-26.

Conditions:
Ehlers-Danlos syndrome, musculocontractural type (EDSMC). Also called: Adducted thumb, clubfoot, progressive joint and skin laxity syndrome; DUNDAR SYNDROME; ARTHROGRYPOSIS, DISTAL, WITH PECULIAR FACIES AND HYDRONEPHROSIS; ADDUCTED THUMB-CLUBFOOT SYNDROME. Identifiers: Orphanet 2953, MedGen C1866294, MONDO:0011142.

Allele frequency attached by ClinVar (database versions not stated): gnomAD exomes below 0.00001; TOPMed below 0.00001; gnomAD 0.00001.

Submissions (2):

Labcorp Genetics (formerly Invitae), Labcorp
Classification: Pathogenic for Ehlers-Danlos syndrome, musculocontractural type. Last evaluated: 2025-10-26. Review status: criteria provided, single submitter. Criteria: Invitae Variant Classification Sherloc (09022015). Collection method: clinical testing. Allele origin: germline.
Comment: This sequence change creates a premature translational stop signal (p.Leu58Serfs*2) in the CHST14 gene. While this is not anticipated to result in nonsense mediated decay, it is expected to disrupt the last 319 amino acid(s) of the CHST14 protein. This variant is not present in population databases (gnomAD no frequency). This variant has not been reported in the literature in individuals affected with CHST14-related conditions. ClinVar contains an entry for this variant (Variation ID: 1071798). This variant disrupts a region of the CHST14 protein in which other variant(s) (p.Val176Glyfs*12) have been determined to be pathogenic (internal data). This suggests that this is a clinically significant region of the protein, and that variants that disrupt it are likely to be disease-causing. For these reasons, this variant has been classified as Pathogenic.

GeneDx
Classification: Likely pathogenic. Last evaluated: 2024-07-15. Review status: criteria provided, single submitter. Criteria: GeneDx Variant Classification Process June 2021. Collection method: clinical testing. Allele origin: germline. Affected: yes.
Comment: Has not been reported in association with disease to our knowledge; Frameshift variant predicted to result in protein truncation or nonsense mediated decay in a gene for which loss-of-function is a known mechanism of disease; Not observed at significant frequency in large population cohorts (gnomAD); This variant is associated with the following publications: (PMID: 31980526)